The following is an entry in ClinVar:

ClinVar aggregate classification (germline): Uncertain significance. Review status: criteria provided, multiple submitters, no conflicts (2 of 4 stars). 3 submissions from 3 submitters: Uncertain significance (3). Last evaluated 2026-04-14.

Conditions:
Inborn genetic diseases. Identifiers: MedGen C0950123, MeSH D030342.
Developmental and epileptic encephalopathy, 23 (DEE23). Also called: Epileptic encephalopathy, early infantile, 23. Identifiers: Orphanet 411986, MedGen C4014492, MONDO:0014371, OMIM 615859.

Allele frequency attached by ClinVar (database versions not stated): gnomAD exomes 0.00003 and 0.00001; ExAC 0.00006; gnomAD 0.00014 and 0.00015; TOPMed 0.00017; ESP Exome Variant Server 0.00008.
gnomAD v4.1: 30 of 1,613,584 alleles (0.0019%); highest among the groups gnomAD compares: African/African-American, 0.036%; no homozygotes.

Submissions (3):

GeneDx
Classification: Uncertain significance. Last evaluated: 2026-04-14. Review status: criteria provided, single submitter. Criteria: GeneDx Variant Classification Process June 2021. Collection method: clinical testing. Allele origin: germline.
Comment: Has not been previously published as pathogenic or benign to our knowledge; In silico analysis supports that this missense variant has a deleterious effect on protein structure/function

Ambry Genetics
Classification: Uncertain significance for Inborn genetic diseases. Last evaluated: 2025-05-20. Review status: criteria provided, single submitter. Criteria: Ambry Variant Classification Scheme 2023. Collection method: clinical testing. Allele origin: germline.

Labcorp Genetics (formerly Invitae), Labcorp
Classification: Uncertain significance for Developmental and epileptic encephalopathy, 23. Last evaluated: 2022-09-27. Review status: criteria provided, single submitter. Criteria: Invitae Variant Classification Sherloc (09022015). Collection method: clinical testing. Allele origin: germline.
Comment: This sequence change replaces valine, which is neutral and non-polar, with aspartic acid, which is acidic and polar, at codon 1820 of the DOCK7 protein (p.Val1820Asp). This variant is present in population databases (rs375887190, gnomAD 0.06%). This variant has not been reported in the literature in individuals affected with DOCK7-related conditions. ClinVar contains an entry for this variant (Variation ID: 937300). Advanced modeling of protein sequence and biophysical properties (such as structural, functional, and spatial information, amino acid conservation, physicochemical variation, residue mobility, and thermodynamic stability) performed at Invitae indicates that this missense variant is not expected to disrupt DOCK7 protein function. In summary, the available evidence is currently insufficient to determine the role of this variant in disease. Therefore, it has been classified as a Variant of Uncertain Significance.

NM_001367561.1(DOCK7):c.5486T>A (p.Val1829Asp)

Gene: DOCK7 (dedicator of cytokinesis 7; minus strand). Cytogenetic location: 1p31.3.
Variant type: single nucleotide variant.
Coding change: c.5486T>A on transcript NM_001367561.1 (MANE Select); coding-DNA position 5486, T replaced by A.
Protein change: p.Val1829Asp; replaces valine 1829 with aspartic acid.
Molecular consequence: missense variant.
Genome position (GRCh38, 1-based): chr1:62,488,941, A>T on the plus strand (T>A on the coding strand, the complement: DOCK7 is on the minus strand). VCF-style: chr1-62488941-A-T. GRCh37 (hg19) VCF-style: chr1-62954612-A-T.
Other names: c.5459T>A, p.Val1820Asp (NM_001271999.2, NM_001330614.2); c.5366T>A, p.Val1789Asp (NM_001272000.2, NM_001272001.2); c.5393T>A, p.Val1798Asp (NM_033407.4); c.5393T>A (NM_033407.2); short protein forms V1789D, V1829D, V1798D, V1820D.
Identifiers: ClinVar variation 937300 (VCV000937300.10), dbSNP rs375887190, ClinGen allele CA885461.